The following is an entry in ClinVar:

NM_006348.5(COG5):c.2360G>T (p.Arg787Met)

Gene: COG5 (component of oligomeric golgi complex 5; minus strand). Cytogenetic location: 7q22.3.
Variant type: single nucleotide variant.
Coding change: c.2360G>T on transcript NM_006348.5 (MANE Select); coding-DNA position 2360, G replaced by T.
Protein change: p.Arg787Met; replaces arginine 787 with methionine.
Molecular consequence: missense variant. On other transcripts: intron variant (1).
Genome position (GRCh38, 1-based): chr7:107,210,541, C>A on the plus strand (G>T on the coding strand, the complement: COG5 is on the minus strand). VCF-style: chr7-107210541-C-A. GRCh37 (hg19) VCF-style: chr7-106850986-C-A.
Other names: c.2360G>T, p.Arg787Met (NM_001161520.2); c.2198G>T, p.Arg733Met (NM_001379511.1); c.2186G>T, p.Arg729Met (NM_001379512.1); c.2045G>T, p.Arg682Met (NM_001379514.1); c.1790G>T, p.Arg597Met (NM_001379515.1); c.1646G>T, p.Arg549Met (NM_001379516.1); c.2297G>T, p.Arg766Met (NM_181733.4); c.2169-6911G>T (NM_001379513.1); short protein forms R597M, R729M, R787M, R682M, R766M, R549M, R733M.
Identifiers: ClinVar variation 1424632 (VCV001424632.7), dbSNP rs761946629, ClinGen allele CA4430596.

ClinVar aggregate classification (germline): Uncertain significance (1 of 4 stars; one submission).

Conditions:
COG5-congenital disorder of glycosylation. Also called: CONGENITAL DISORDER OF GLYCOSYLATION, TYPE IIi; COG5-CDG; CDG IIi. Identifiers: Orphanet 263487, MedGen C3150876, MONDO:0013325, OMIM 613612.

Allele frequency attached by ClinVar (database versions not stated): TOPMed below 0.00001; gnomAD 0.00001; ExAC 0.00009.
gnomAD v4.1: 28 of 1,600,774 alleles (0.0017%); highest among the groups gnomAD compares: South Asian, 0.028%; 2 homozygotes.

Submission:

Labcorp Genetics (formerly Invitae), Labcorp
Classification: Uncertain significance for COG5-congenital disorder of glycosylation. Last evaluated: 2022-11-15. Review status: criteria provided, single submitter. Criteria: Invitae Variant Classification Sherloc (09022015). Collection method: clinical testing. Allele origin: germline.
Comment: The frequency data for this variant in the population databases is considered unreliable, as metrics indicate poor data quality at this position in the gnomAD database. In summary, the available evidence is currently insufficient to determine the role of this variant in disease. Therefore, it has been classified as a Variant of Uncertain Significance. Algorithms developed to predict the effect of missense changes on protein structure and function are either unavailable or do not agree on the potential impact of this missense change (SIFT: "Deleterious"; PolyPhen-2: "Probably Damaging"; Align-GVGD: "Class C0"). ClinVar contains an entry for this variant (Variation ID: 1424632). This variant has not been reported in the literature in individuals affected with COG5-related conditions. This sequence change replaces arginine, which is basic and polar, with methionine, which is neutral and non-polar, at codon 818 of the COG5 protein (p.Arg818Met).